The following is an entry in ClinVar:

NM_001376.5(DYNC1H1):c.2878C>A (p.His960Asn)

Gene: DYNC1H1 (dynein cytoplasmic 1 heavy chain 1; plus strand). Cytogenetic location: 14q32.31.
Variant type: single nucleotide variant.
Coding change: c.2878C>A on transcript NM_001376.5 (MANE Select); coding-DNA position 2878, C replaced by A.
Protein change: p.His960Asn; replaces histidine 960 with asparagine.
Molecular consequence: missense variant.
Genome position (GRCh38, 1-based): chr14:101,991,536, C>A. VCF-style: chr14-101991536-C-A. GRCh37 (hg19) VCF-style: chr14-102457873-C-A.
Other names: short protein forms H960N.
Identifiers: ClinVar variation 2732863 (VCV002732863.3), dbSNP rs2503708149, ClinGen allele CA391030136.

ClinVar aggregate classification (germline): Uncertain significance (1 of 4 stars; one submission).

Conditions:
Charcot-Marie-Tooth disease axonal type 2O. Also called: CHARCOT-MARIE-TOOTH NEUROPATHY, AXONAL, TYPE 2O; CHARCOT-MARIE-TOOTH DISEASE, AXONAL, AUTOSOMAL DOMINANT, TYPE 2O; Charcot-Marie-Tooth Neuropathy Type 2O; Charcot-Marie-Tooth disease, axonal, type 20. Identifiers: Orphanet 284232, MedGen C3280220, MONDO:0013644, OMIM 614228.

Submission:

Labcorp Genetics (formerly Invitae), Labcorp
Classification: Uncertain significance for Charcot-Marie-Tooth disease axonal type 2O. Last evaluated: 2023-12-26. Review status: criteria provided, single submitter. Criteria: Invitae Variant Classification Sherloc (09022015). Collection method: clinical testing. Allele origin: germline.
Comment: This sequence change replaces histidine, which is basic and polar, with asparagine, which is neutral and polar, at codon 960 of the DYNC1H1 protein (p.His960Asn). This variant is not present in population databases (gnomAD no frequency). This variant has not been reported in the literature in individuals affected with DYNC1H1-related conditions. Advanced modeling of protein sequence and biophysical properties (such as structural, functional, and spatial information, amino acid conservation, physicochemical variation, residue mobility, and thermodynamic stability) performed at Invitae indicates that this missense variant is expected to disrupt DYNC1H1 protein function with a positive predictive value of 95%. In summary, the available evidence is currently insufficient to determine the role of this variant in disease. Therefore, it has been classified as a Variant of Uncertain Significance.